The following is an entry in ClinVar:

ClinVar aggregate classification (germline): Uncertain significance (1 of 4 stars; one submission).

Conditions:
Primary ciliary dyskinesia. Also called: Ciliary dyskinesia. Identifiers: Orphanet 244, MedGen C0008780, MONDO:0016575, HP:0012265.

Allele frequency attached by ClinVar (database versions not stated): ExAC 0.00002; ESP Exome Variant Server 0.00008.
gnomAD v4.1: 52 of 1,614,260 alleles (0.0032%); highest among the groups gnomAD compares: South Asian, 0.0044%; no homozygotes.

Submission:

Labcorp Genetics (formerly Invitae), Labcorp
Classification: Uncertain significance for Primary ciliary dyskinesia. Last evaluated: 2021-08-26. Review status: criteria provided, single submitter. Criteria: Invitae Variant Classification Sherloc (09022015). Collection method: clinical testing. Allele origin: germline.
Comment: This sequence change replaces arginine with histidine at codon 393 of the ZMYND10 protein (p.Arg393His). The arginine residue is moderately conserved and there is a small physicochemical difference between arginine and histidine. This variant is present in population databases (rs200276907, ExAC 0.006%). This variant has not been reported in the literature in individuals affected with ZMYND10-related conditions. Algorithms developed to predict the effect of missense changes on protein structure and function output the following: SIFT: "Tolerated"; PolyPhen-2: "Benign"; Align-GVGD: "Class C0". The histidine amino acid residue is found in multiple mammalian species, which suggests that this missense change does not adversely affect protein function. In summary, the available evidence is currently insufficient to determine the role of this variant in disease. Therefore, it has been classified as a Variant of Uncertain Significance.

NM_015896.4(ZMYND10):c.1178G>A (p.Arg393His)

Gene: ZMYND10 (zinc finger MYND-type containing 10; minus strand). Cytogenetic location: 3p21.31.
Variant type: single nucleotide variant.
Coding change: c.1178G>A on transcript NM_015896.4 (MANE Select); coding-DNA position 1178, G replaced by A.
Protein change: p.Arg393His; replaces arginine 393 with histidine.
Molecular consequence: missense variant.
Genome position (GRCh38, 1-based): chr3:50,341,643, C>T on the plus strand (G>A on the coding strand, the complement: ZMYND10 is on the minus strand). VCF-style: chr3-50341643-C-T. GRCh37 (hg19) VCF-style: chr3-50379074-C-T.
Other names: c.1163G>A, p.Arg388His (NM_001308379.2); short protein forms R388H, R393H.
Identifiers: ClinVar variation 2137024 (VCV002137024.1), dbSNP rs200276907, ClinGen allele CA2416959.